The following is an entry in ClinVar:

ClinVar aggregate classification (germline): Uncertain significance (1 of 4 stars; one submission).

Submission:

Labcorp Genetics (formerly Invitae), Labcorp
Classification: Uncertain significance. Last evaluated: 2024-05-14. Review status: criteria provided, single submitter. Criteria: Invitae Variant Classification Sherloc (09022015). Collection method: clinical testing. Allele origin: germline.
Comment: This sequence change replaces lysine, which is basic and polar, with glutamic acid, which is acidic and polar, at codon 600 of the SRP72 protein (p.Lys600Glu). This variant is not present in population databases (gnomAD no frequency). This variant has not been reported in the literature in individuals affected with SRP72-related conditions. Advanced modeling of protein sequence and biophysical properties (such as structural, functional, and spatial information, amino acid conservation, physicochemical variation, residue mobility, and thermodynamic stability) performed at Invitae indicates that this missense variant is not expected to disrupt SRP72 protein function with a negative predictive value of 80%. In summary, the available evidence is currently insufficient to determine the role of this variant in disease. Therefore, it has been classified as a Variant of Uncertain Significance.

NM_006947.4(SRP72):c.1798A>G (p.Lys600Glu)

Gene: SRP72 (signal recognition particle 72; plus strand). Cytogenetic location: 4q12.
Variant type: single nucleotide variant.
Coding change: c.1798A>G on transcript NM_006947.4 (MANE Select); coding-DNA position 1798, A replaced by G.
Protein change: p.Lys600Glu; replaces lysine 600 with glutamic acid.
Molecular consequence: missense variant. On other transcripts: non-coding transcript variant (1).
Genome position (GRCh38, 1-based): chr4:56,500,655, A>G. VCF-style: chr4-56500655-A-G. GRCh37 (hg19) VCF-style: chr4-57366821-A-G.
Other names: c.1615A>G, p.Lys539Glu (NM_001267722.2); short protein forms K600E, K539E.
Identifiers: ClinVar variation 3653370 (VCV003653370.2).